The following is an entry in ClinVar:

ClinVar aggregate classification (germline): Uncertain significance. Review status: criteria provided, multiple submitters, no conflicts (2 of 4 stars). 2 submissions from 2 submitters: Uncertain significance (2). Last evaluated 2023-11-17.

Conditions:
Inborn genetic diseases. Identifiers: MedGen C0950123, MeSH D030342.

Submissions (2):

Labcorp Genetics (formerly Invitae), Labcorp
Classification: Uncertain significance. Last evaluated: 2023-11-17. Review status: criteria provided, single submitter. Criteria: Invitae Variant Classification Sherloc (09022015). Collection method: clinical testing. Allele origin: germline.
Comment: This sequence change replaces threonine, which is neutral and polar, with alanine, which is neutral and non-polar, at codon 678 of the HUWE1 protein (p.Thr678Ala). This variant is not present in population databases (gnomAD no frequency). This variant has not been reported in the literature in individuals affected with HUWE1-related conditions. Advanced modeling of protein sequence and biophysical properties (such as structural, functional, and spatial information, amino acid conservation, physicochemical variation, residue mobility, and thermodynamic stability) has been performed at Invitae for this missense variant, however the output from this modeling did not meet the statistical confidence thresholds required to predict the impact of this variant on HUWE1 protein function. In summary, the available evidence is currently insufficient to determine the role of this variant in disease. Therefore, it has been classified as a Variant of Uncertain Significance.

Ambry Genetics
Classification: Uncertain significance for Inborn genetic diseases. Last evaluated: 2023-10-13. Review status: criteria provided, single submitter. Criteria: Ambry Variant Classification Scheme 2023. Collection method: clinical testing. Allele origin: germline.
Comment: The c.2032A>G (p.T678A) alteration is located in exon 22 (coding exon 19) of the HUWE1 gene. This alteration results from a A to G substitution at nucleotide position 2032, causing the threonine (T) at amino acid position 678 to be replaced by an alanine (A). This variant was not reported in population-based cohorts in the Genome Aggregation Database (gnomAD). This amino acid position is highly conserved in available vertebrate species. This alteration is predicted to be tolerated by in silico analysis. Based on insufficient or conflicting evidence, the clinical significance of this alteration remains unclear.

NM_031407.7(HUWE1):c.2032A>G (p.Thr678Ala)

Gene: HUWE1 (HECT, UBA and WWE domain containing E3 ubiquitin protein ligase 1; minus strand). Cytogenetic location: Xp11.22.
Variant type: single nucleotide variant.
Coding change: c.2032A>G on transcript NM_031407.7 (MANE Select); coding-DNA position 2032, A replaced by G.
Protein change: p.Thr678Ala; replaces threonine 678 with alanine.
Molecular consequence: missense variant.
Genome position (GRCh38, 1-based): chrX:53,615,761, T>C on the plus strand (A>G on the coding strand, the complement: HUWE1 is on the minus strand). VCF-style: chrX-53615761-T-C. GRCh37 (hg19) VCF-style: chrX-53642722-T-C.
Other names: c.2032A>G (NM_031407.4); short protein forms T678A.
Identifiers: ClinVar variation 2749258 (VCV002749258.4), dbSNP rs2527423463, ClinGen allele CA413147109.
Genomic context (GRCh38, chrX:53,615,761, plus strand): 5'-TCTGCTCTCTCATGCTCATGGTCACATCCTTATCACTTTCTACCTTGATGATGGCAGTCG[T>C]TGCATCTGTTTTAAGGGTGGGCTGATGTCTCATGAGCTCATCGACAGCACTCCCCAGGTT-3'
Protein context (NP_113584.3, residues 668-688): RHQPTLKTDA[Thr678Ala]TAIIKLLEEI